The following is an entry in ClinVar:

NM_000448.3(RAG1):c.1825A>G (p.Ser609Gly)

Gene: RAG1 (recombination activating 1; plus strand). Cytogenetic location: 11p12.
Variant type: single nucleotide variant.
Coding change: c.1825A>G on transcript NM_000448.3 (MANE Select); coding-DNA position 1825, A replaced by G.
Protein change: p.Ser609Gly; replaces serine 609 with glycine.
Molecular consequence: missense variant.
Genome position (GRCh38, 1-based): chr11:36,575,129, A>G. VCF-style: chr11-36575129-A-G. GRCh37 (hg19) VCF-style: chr11-36596679-A-G.
Other names: c.1825A>G, p.Ser609Gly (NM_001377277.1, NM_001377278.1, NM_001377279.1 and 1 more transcripts); short protein forms S609G.
Identifiers: ClinVar variation 1009843 (VCV001009843.6), dbSNP rs1460488211, ClinGen allele CA380153380.

ClinVar aggregate classification (germline): Uncertain significance (1 of 4 stars; one submission).

Conditions:
Severe combined immunodeficiency, autosomal recessive, T cell-negative, B cell-negative, NK cell-positive. Also called: SCID, T CELL-NEGATIVE, B CELL-NEGATIVE, NK CELL-POSITIVE; SCID, AR, T-cell negative, B-cell negative, NK cell-positive; Severe combined immunodeficiency due to complete RAG1/2 deficiency. Identifiers: Orphanet 331206, MedGen C1832322, MONDO:0011086, OMIM 601457.
Combined immunodeficiency with skin granulomas. Identifiers: Orphanet 157949, MedGen C2673536, MONDO:0009306, OMIM 233650.

Allele frequency attached by ClinVar (database versions not stated): gnomAD exomes below 0.00001; gnomAD 0.00001; TOPMed 0.00001.
gnomAD v4.1: 7 of 1,614,058 alleles (0.00043%); highest among the groups gnomAD compares: African/African-American, 0.0013%; no homozygotes.

Submission:

Labcorp Genetics (formerly Invitae), Labcorp
Classification: Uncertain significance for Combined immunodeficiency with skin granulomas; Severe combined immunodeficiency, autosomal recessive, T cell-negative, B cell-negative, NK cell-positive. Last evaluated: 2022-04-07. Review status: criteria provided, single submitter. Criteria: Invitae Variant Classification Sherloc (09022015). Collection method: clinical testing. Allele origin: germline.
Comment: This sequence change replaces serine, which is neutral and polar, with glycine, which is neutral and non-polar, at codon 609 of the RAG1 protein (p.Ser609Gly). This variant is present in population databases (no rsID available, gnomAD 0.004%). This variant has not been reported in the literature in individuals affected with RAG1-related conditions. ClinVar contains an entry for this variant (Variation ID: 1009843). Algorithms developed to predict the effect of missense changes on protein structure and function output the following: SIFT: "Deleterious"; PolyPhen-2: "Benign"; Align-GVGD: "Class C0". The glycine amino acid residue is found in multiple mammalian species, which suggests that this missense change does not adversely affect protein function. Algorithms developed to predict the effect of sequence changes on RNA splicing suggest that this variant may create or strengthen a splice site. In summary, the available evidence is currently insufficient to determine the role of this variant in disease. Therefore, it has been classified as a Variant of Uncertain Significance.